The following is an entry in ClinVar:

NM_014244.5(ADAMTS2):c.1520G>A (p.Arg507Gln)

Gene: ADAMTS2 (ADAM metallopeptidase with thrombospondin type 1 motif 2; minus strand). Cytogenetic location: 5q35.3.
Variant type: single nucleotide variant.
Coding change: c.1520G>A on transcript NM_014244.5 (MANE Select); coding-DNA position 1520, G replaced by A.
Protein change: p.Arg507Gln; replaces arginine 507 with glutamine.
Molecular consequence: missense variant.
Genome position (GRCh38, 1-based): chr5:179,152,251, C>T on the plus strand (G>A on the coding strand, the complement: ADAMTS2 is on the minus strand). VCF-style: chr5-179152251-C-T. GRCh37 (hg19) VCF-style: chr5-178579252-C-T.
Other names: p.Arg507Gln; NC_000005.9:g.178579252C>T; c.1520G>A, p.Arg507Gln (NM_021599.4); short protein forms R507Q.
Identifiers: ClinVar variation 1216869 (VCV001216869.15), dbSNP rs148263300, ClinGen allele CA3595864.

ClinVar aggregate classification (germline): Uncertain significance. Review status: criteria provided, multiple submitters, no conflicts (2 of 4 stars). 6 submissions from 6 submitters: Uncertain significance (5). 1 of the submissions does not count toward it. Last evaluated 2025-06-10.

Conditions:
Inborn genetic diseases. Identifiers: MedGen C0950123, MeSH D030342.
Ehlers-Danlos syndrome (EDS). Identifiers: Orphanet 98249, MedGen C0013720, MONDO:0020066.
Ehlers-Danlos syndrome, dermatosparaxis type. Also called: EDS VIIC; Dermatosparaxis; Ehlers-Danlos syndrome, type VII, autosomal recessive. Identifiers: Orphanet 1901, MedGen C2700425, MONDO:0009161, OMIM 225410.

Allele frequency attached by ClinVar (database versions not stated): TOPMed 0.00005; ESP Exome Variant Server 0.00008; ExAC 0.00001; gnomAD exomes 0.00002; gnomAD 0.00004.
gnomAD v4.1: 22 of 1,613,790 alleles (0.0014%); highest among the groups gnomAD compares: African/African-American, 0.016%; no homozygotes.

Submissions (7):

GeneDx
Classification: Uncertain significance. Last evaluated: 2025-06-10. Review status: criteria provided, single submitter. Criteria: GeneDx Variant Classification Process June 2021. Collection method: clinical testing. Allele origin: germline. Affected: yes.
Comment: In silico analysis supports that this missense variant has a deleterious effect on protein structure/function; Has not been previously published as pathogenic or benign to our knowledge; In silico analysis suggests this variant may impact gene splicing. In the absence of RNA/functional studies, the actual effect of this sequence change is unknown.

Women's Health and Genetics/Laboratory Corporation of America, LabCorp
Classification: Uncertain significance. Last evaluated: 2025-01-29. Review status: criteria provided, single submitter. Criteria: LabCorp Variant Classification Summary - May 2015. Collection method: clinical testing. Allele origin: germline.
Comment: Variant summary: ADAMTS2 c.1520G>A (p.Arg507Gln) results in a conservative amino acid change located in the ADAMTS, cysteine-rich domain 2 (IPR041645) of the encoded protein sequence. Three of five in-silico tools predict a benign effect of the variant on protein function. The variant allele was found at a frequency of 2.4e-05 in 251248 control chromosomes. The available data on variant occurrences in the general population are insufficient to allow any conclusion about variant significance. To our knowledge, no occurrence of c.1520G>A in individuals affected with Ehlers-Danlos syndrome, dermatosparaxis type and no experimental evidence demonstrating its impact on protein function have been reported. ClinVar contains an entry for this variant (Variation ID: 1216869). Based on the evidence outlined above, the variant was classified as uncertain significance.

Mayo Clinic Laboratories, Mayo Clinic
Classification: Uncertain significance. Last evaluated: 2024-07-26. Review status: criteria provided, single submitter. Criteria: ACMG Guidelines, 2015. Collection method: clinical testing. Allele origin: germline. Observed: 1 variant allele.
Comment: BP1

Ambry Genetics
Classification: Uncertain significance for Inborn genetic diseases. Last evaluated: 2021-07-09. Review status: criteria provided, single submitter. Criteria: Ambry Variant Classification Scheme 2023. Collection method: clinical testing. Allele origin: germline.

Genome Diagnostics Laboratory, The Hospital for Sick Children
Classification: Uncertain significance for Ehlers-Danlos syndrome. Last evaluated: 2020-12-21. Review status: criteria provided, single submitter. Criteria: ACMG Guidelines, 2015. Collection method: clinical testing. Allele origin: germline.

Natera, Inc.
Classification: Uncertain significance for Ehlers-Danlos syndrome type VIIC. Last evaluated: 2020-04-20. Review status: no assertion criteria provided. Collection method: clinical testing. Allele origin: germline. Not counted in ClinVar's aggregate classification.

Dr. Peter K. Rogan Lab, Western University
No classification provided (evidence only). Condition: Acute myeloid leukemia. Review status: no classification provided. Collection method: in vitro. Allele origin: not applicable. Functional consequence: retained intron. Not counted in ClinVar's aggregate classification.